The following is an entry in ClinVar:

NM_000553.6(WRN):c.2314C>T (p.Pro772Ser)

Gene: WRN (WRN RecQ like helicase; plus strand). Cytogenetic location: 8p12.
Variant type: single nucleotide variant.
Coding change: c.2314C>T on transcript NM_000553.6 (MANE Select); coding-DNA position 2314, C replaced by T.
Protein change: p.Pro772Ser; replaces proline 772 with serine.
Molecular consequence: missense variant.
Genome position (GRCh38, 1-based): chr8:31,116,394, C>T. VCF-style: chr8-31116394-C-T. GRCh37 (hg19) VCF-style: chr8-30973910-C-T.
Other names: short protein forms P772S.
Identifiers: ClinVar variation 3009923 (VCV003009923.3), dbSNP rs2535978310, ClinGen allele CA370913485.

ClinVar aggregate classification (germline): Uncertain significance (1 of 4 stars; one submission).

Conditions:
Werner syndrome (WRN). Identifiers: Orphanet 902, MedGen C0043119, MONDO:0010196, OMIM 277700.

Allele frequency attached by ClinVar (database versions not stated): gnomAD exomes below 0.00001.
gnomAD v4.1: 1 of 1,613,940 alleles (0.000062%); highest among the groups gnomAD compares: Non-Finnish European, 0.000085%; no homozygotes.

Submission:

Labcorp Genetics (formerly Invitae), Labcorp
Classification: Uncertain significance for Werner syndrome. Last evaluated: 2023-08-02. Review status: criteria provided, single submitter. Criteria: Invitae Variant Classification Sherloc (09022015). Collection method: clinical testing. Allele origin: germline.
Comment: Algorithms developed to predict the effect of missense changes on protein structure and function output the following: SIFT: "Not Available"; PolyPhen-2: "Benign"; Align-GVGD: "Not Available". The serine amino acid residue is found in multiple mammalian species, which suggests that this missense change does not adversely affect protein function. In summary, the available evidence is currently insufficient to determine the role of this variant in disease. Therefore, it has been classified as a Variant of Uncertain Significance. This sequence change replaces proline, which is neutral and non-polar, with serine, which is neutral and polar, at codon 772 of the WRN protein (p.Pro772Ser). This variant has not been reported in the literature in individuals affected with WRN-related conditions. This variant is not present in population databases (gnomAD no frequency).